The following is an entry in ClinVar:

ClinVar aggregate classification (germline): Likely pathogenic (1 of 4 stars; one submission).

Conditions:
Intellectual developmental disorder, X-linked 1. Also called: Atkin Flaitz Patil Smith syndrome; MENTAL RETARDATION, X-LINKED 18; MENTAL RETARDATION, X-LINKED 78; Intellectual disability, X-linked 1. Identifiers: Orphanet 777, MedGen C2931498, MONDO:0010656, OMIM 309530.

Submission:

Juno Genomics, Hangzhou Juno Genomics, Inc
Classification: Likely pathogenic for Intellectual developmental disorder, X-linked 1. Review status: criteria provided, single submitter. Criteria: ACMG Guidelines, 2015. Collection method: clinical testing. Allele origin: germline. Affected: yes.
Comment: Absent from controls (or at extremely low frequency if recessive) in Genome Aggregation Database.;Null variant in a gene where loss of function (LOF) is a known mechanism of disease.

NM_001111125.3(IQSEC2):c.1868dup (p.Ala623_Asp624insTer)

Gene: IQSEC2 (IQ motif and Sec7 domain ArfGEF 2; minus strand). Cytogenetic location: Xp11.22.
Variant type: Duplication.
Coding change: c.1868dup on transcript NM_001111125.3 (MANE Select); coding-DNA position 1868, one base duplicated (C; older notation c.1868dupC).
Protein change: p.Ala623_Asp624insTer.
Molecular consequence: frameshift variant.
Genome position (GRCh38, 1-based): chrX:53,250,708, G duplicated on the plus strand (C on the coding strand, the reverse complement: IQSEC2 is on the minus strand). VCF-style (leftmost placement, unchanged base first): chrX-53250707-A-AG. GRCh37 (hg19) VCF-style: chrX-53279889-A-AG.
Other names: c.1868dup, p.Ala623_Asp624insTer (NM_001410736.1, NM_001441092.1); c.1370dup, p.Ala457_Asp458insTer (NM_001441093.1); c.1157dup, p.Ala386_Asp387insTer (NM_001441094.1, NM_001441095.1); c.1253dup, p.Ala418_Asp419insTer (NM_015075.2).
Identifiers: ClinVar variation 5018526 (VCV005018526.1).